The following is an entry in ClinVar:

ClinVar aggregate classification (germline): Uncertain significance (1 of 4 stars; one submission).

Submission:

Women's Health and Genetics/Laboratory Corporation of America, LabCorp
Classification: Uncertain significance. Last evaluated: 2026-03-03. Review status: criteria provided, single submitter. Criteria: LabCorp Variant Classification Summary - May 2015. Collection method: clinical testing. Allele origin: germline.
Comment: Variant summary: PDHA1 c.1128A>C (p.Glu376Asp) results in a conservative amino acid change in the encoded protein sequence. Algorithms developed to predict the effect of missense changes on protein structure and function are either unavailable or do not agree on the potential impact of this missense change. The frequency data for this variant in gnomAD is considered unreliable, as metrics indicate poor data quality at this position. To our knowledge, no occurrence of c.1128A>C in individuals affected with PDHA1-related conditions and no experimental evidence demonstrating its impact on protein function have been reported. No submitters have cited clinical-significance assessments for this variant to ClinVar. Based on the evidence outlined above, the variant was classified as uncertain significance.

NM_000284.4(PDHA1):c.1128A>C (p.Glu376Asp)

Gene: PDHA1 (pyruvate dehydrogenase E1 subunit alpha 1; plus strand). Cytogenetic location: Xp22.12.
Variant type: single nucleotide variant.
Coding change: c.1128A>C on transcript NM_000284.4 (MANE Select); coding-DNA position 1128, A replaced by C.
Protein change: p.Glu376Asp; replaces glutamic acid 376 with aspartic acid.
Molecular consequence: missense variant.
Genome position (GRCh38, 1-based): chrX:19,359,608, A>C. VCF-style: chrX-19359608-A-C. GRCh37 (hg19) VCF-style: chrX-19377726-A-C.
Other names: c.1242A>C, p.Glu414Asp (NM_001173454.2); c.1149A>C, p.Glu383Asp (NM_001173455.2); c.1035A>C, p.Glu345Asp (NM_001173456.2); short protein forms E345D, E376D, E383D, E414D.
Identifiers: ClinVar variation 4847522 (VCV004847522.1).